The following is an entry in ClinVar:

ClinVar aggregate classification (germline): Uncertain significance. Review status: criteria provided, multiple submitters, no conflicts (2 of 4 stars). 2 submissions from 2 submitters: Uncertain significance (2). Last evaluated 2025-12-22.

Conditions:
Hereditary cancer-predisposing syndrome. Also called: Hereditary neoplastic syndrome; Tumor predisposition; Hereditary Cancer Syndrome; Neoplastic Syndromes, Hereditary. Identifiers: Orphanet 140162, MedGen C0027672, MeSH D009386, MONDO:0015356.
Neuroblastoma, susceptibility to, 3. Also called: ALK-Related Neuroblastic Tumor Susceptibility. Identifiers: Orphanet 635, MedGen C2751681, MONDO:0013083, OMIM 613014.

Allele frequency attached by ClinVar (database versions not stated): gnomAD exomes below 0.00001 and 0.00001; TOPMed below 0.00001; ExAC 0.00001; gnomAD 0.00001.
gnomAD v4.1: 7 of 1,614,102 alleles (0.00043%); highest among the groups gnomAD compares: Non-Finnish European, 0.00059%; no homozygotes.

Submissions (2):

Labcorp Genetics (formerly Invitae), Labcorp
Classification: Uncertain significance for Neuroblastoma, susceptibility to, 3. Last evaluated: 2025-12-22. Review status: criteria provided, single submitter. Criteria: Invitae Variant Classification Sherloc (09022015). Collection method: clinical testing. Allele origin: germline.
Comment: This sequence change replaces histidine, which is basic and polar, with tyrosine, which is neutral and polar, at codon 1002 of the ALK protein (p.His1002Tyr). This variant is present in population databases (rs764036965, gnomAD 0.002%). This variant has not been reported in the literature in individuals affected with ALK-related conditions. ClinVar contains an entry for this variant (Variation ID: 581241). An algorithm developed to predict the effect of missense changes on protein structure and function (PolyPhen-2) suggests that this variant is likely to be disruptive. In summary, the available evidence is currently insufficient to determine the role of this variant in disease. Therefore, it has been classified as a Variant of Uncertain Significance.

Ambry Genetics
Classification: Uncertain significance for Hereditary cancer-predisposing syndrome. Last evaluated: 2025-04-10. Review status: criteria provided, single submitter. Criteria: Ambry Variant Classification Scheme 2023. Collection method: clinical testing. Allele origin: germline.
Comment: The p.H1002Y variant (also known as c.3004C>T), located in coding exon 18 of the ALK gene, results from a C to T substitution at nucleotide position 3004. The histidine at codon 1002 is replaced by tyrosine, an amino acid with similar properties. This amino acid position is well conserved in available vertebrate species. In addition, this alteration is predicted to be tolerated by in silico analysis. Based on the available evidence, the clinical significance of this variant remains unclear.

NM_004304.5(ALK):c.3004C>T (p.His1002Tyr)

Gene: ALK (ALK receptor tyrosine kinase; minus strand). Cytogenetic location: 2p23.2.
Variant type: single nucleotide variant.
Coding change: c.3004C>T on transcript NM_004304.5 (MANE Select); coding-DNA position 3004, C replaced by T.
Protein change: p.His1002Tyr; replaces histidine 1002 with tyrosine.
Molecular consequence: missense variant.
Genome position (GRCh38, 1-based): chr2:29,226,985, G>A on the plus strand (C>T on the coding strand, the complement: ALK is on the minus strand). VCF-style: chr2-29226985-G-A. GRCh37 (hg19) VCF-style: chr2-29449851-G-A.
Other names: short protein forms H1002Y.
Identifiers: ClinVar variation 581241 (VCV000581241.9), dbSNP rs764036965, ClinGen allele CA1594115.
Genomic context (GRCh38, chr2:29,226,985, plus strand): 5'-TGCAGGAGACGCCATCCTCAGCCAGCACCGTCCCGTGGTCACAGAAGCAGATGACCTTGT[G>A]GCTTTCAGGGTCCATGTGACATTCGTCTACCTCACAGTGACTGCAGTTTAGATAATGCTT-3'
Protein context (NP_004295.2, residues 992-1012): VDECHMDPES[His1002Tyr]KVICFCDHGT